The following is an entry in ClinVar:

ClinVar aggregate classification (germline): Pathogenic (1 of 4 stars; one submission).

Submission:

Labcorp Genetics (formerly Invitae), Labcorp
Classification: Pathogenic. Last evaluated: 2024-11-29. Review status: criteria provided, single submitter. Criteria: Invitae Variant Classification Sherloc (09022015). Collection method: clinical testing. Allele origin: germline.
Comment: This sequence change creates a premature translational stop signal (p.Glu686Glyfs*75) in the AARS2 gene. It is expected to result in an absent or disrupted protein product. Loss-of-function variants in AARS2 are known to be pathogenic (PMID: 24808023, 30285085, 30819764). This variant is not present in population databases (gnomAD no frequency). This variant has not been reported in the literature in individuals affected with AARS2-related conditions. For these reasons, this variant has been classified as Pathogenic.

Literature cited by the submitters: PubMed 24808023; PubMed 30285085; PubMed 30819764.

NM_020745.4(AARS2):c.2057del (p.Glu686fs)

Gene: AARS2 (alanyl-tRNA synthetase 2, mitochondrial; minus strand). Cytogenetic location: 6p21.1.
Variant type: Deletion.
Coding change: c.2057del on transcript NM_020745.4 (MANE Select); coding-DNA position 2057, one base deleted (A; older notation c.2057delA).
Protein change: p.Glu686fs; shifts the reading frame from glutamic acid 686.
Molecular consequence: frameshift variant.
Genome position (GRCh38, 1-based): chr6:44,303,374, T deleted on the plus strand (A on the coding strand, the reverse complement: AARS2 is on the minus strand). VCF-style (leftmost placement, unchanged base first): chr6-44303373-CT-C. GRCh37 (hg19) VCF-style: chr6-44271110-CT-C.
Other names: short protein forms E686fs.
Identifiers: ClinVar variation 3725883 (VCV003725883.2).